The following is an entry in ClinVar:

NM_173598.6(KSR2):c.1501A>G (p.Thr501Ala)

Gene: KSR2 (kinase suppressor of ras 2; minus strand). Cytogenetic location: 12q24.22.
Variant type: single nucleotide variant.
Coding change: c.1501A>G on transcript NM_173598.6 (MANE Select); coding-DNA position 1501, A replaced by G.
Protein change: p.Thr501Ala; replaces threonine 501 with alanine.
Molecular consequence: missense variant.
Genome position (GRCh38, 1-based): chr12:117,555,186, T>C on the plus strand (A>G on the coding strand, the complement: KSR2 is on the minus strand). VCF-style: chr12-117555186-T-C. GRCh37 (hg19) VCF-style: chr12-117992991-T-C.
Other names: short protein forms T501A.
Identifiers: ClinVar variation 2634734 (VCV002634734.3), dbSNP rs544499828, ClinGen allele CA6816008.

ClinVar aggregate classification (germline): Uncertain significance (0 of 4 stars; one submission).

Conditions:
KSR2-related disorder. Also called: KSR2-related condition.

Allele frequency attached by ClinVar (database versions not stated): TOPMed below 0.00001; gnomAD 0.00005; gnomAD exomes 0.00006; ExAC 0.00014; 1000 Genomes Project 30x 0.00031; 1000 Genomes Project 0.00040.
gnomAD v4.1: 86 of 1,613,784 alleles (0.0053%); highest among the groups gnomAD compares: South Asian, 0.092%; no homozygotes.

Submission:

PreventionGenetics, part of Exact Sciences
Classification: Uncertain significance for KSR2-related condition. Last evaluated: 2024-01-31. Review status: no assertion criteria provided. Collection method: clinical testing. Allele origin: germline.
Comment: The KSR2 c.1414A>G variant is predicted to result in the amino acid substitution p.Thr472Ala. To our knowledge, this variant has not been reported in the literature. This variant is reported in 0.088% of alleles in individuals of South Asian descent in gnomAD. Although we suspect that this variant may be benign, at this time, the clinical significance of this variant is uncertain due to the absence of conclusive functional and genetic evidence.